The following is an entry in ClinVar:

NM_000051.4(ATM):c.8302G>T (p.Glu2768Ter)

Genes: ATM (ATM serine/threonine kinase; plus strand), C11orf65 (chromosome 11 open reading frame 65; minus strand). Cytogenetic location: 11q22.3.
Variant type: single nucleotide variant.
Coding change: c.8302G>T on transcript NM_000051.4 (MANE Select); coding-DNA position 8302, G replaced by T.
Protein change: p.Glu2768Ter; replaces glutamic acid 2768 with a stop codon.
Molecular consequence: nonsense. On other transcripts: intron variant (2).
Genome position (GRCh38, 1-based): chr11:108,343,255, G>T. VCF-style: chr11-108343255-G-T. GRCh37 (hg19) VCF-style: chr11-108213982-G-T.
Other names: c.8302G>T, p.Glu2768Ter (NM_001351834.2); c.641-34184C>A (NM_001330368.2); c.695-7963C>A (NM_001351110.2); short protein forms E2768*.
Identifiers: ClinVar variation 851132 (VCV000851132.46), dbSNP rs1555135513, ClinGen allele CA382516341.

ClinVar aggregate classification (germline): Pathogenic (1 of 4 stars; one submission).

Conditions:
Ataxia-telangiectasia syndrome (AT). Also called: ATAXIA-TELANGIECTASIA, COMPLEMENTATION GROUP A; ATAXIA-TELANGIECTASIA, FRESNO VARIANT; Ataxia-telangiectasia; Ataxia-telangiectasia, complementation group D; AT, COMPLEMENTATION GROUP C; Ataxia-telangiectasia, complementation group E. Identifiers: Orphanet 100, MedGen C0004135, MONDO:0008840, OMIM 208900.

Submission:

Labcorp Genetics (formerly Invitae), Labcorp
Classification: Pathogenic for Ataxia-telangiectasia syndrome. Last evaluated: 2019-12-13. Review status: criteria provided, single submitter. Criteria: Invitae Variant Classification Sherloc (09022015). Collection method: clinical testing. Allele origin: germline.
Comment: For these reasons, this variant has been classified as Pathogenic. Loss-of-function variants in ATM are known to be pathogenic (PMID: 23807571, 25614872). This variant has not been reported in the literature in individuals with ATM-related conditions. This variant is not present in population databases (ExAC no frequency). This sequence change creates a premature translational stop signal (p.Glu2768*) in the ATM gene. It is expected to result in an absent or disrupted protein product.

Literature cited by the submitters: PubMed 23807571; PubMed 25614872.